The following is an entry in ClinVar:

ClinVar aggregate classification (germline): Uncertain significance. Review status: criteria provided, multiple submitters, no conflicts (2 of 4 stars). 3 submissions from 3 submitters: Uncertain significance (3). Last evaluated 2024-11-11.

Conditions:
Inborn genetic diseases. Identifiers: MedGen C0950123, MeSH D030342.

Allele frequency attached by ClinVar (database versions not stated): gnomAD exomes below 0.00001; TOPMed 0.00001; gnomAD 0.00002.
gnomAD v4.1: 6 of 1,613,608 alleles (0.00037%); highest among the groups gnomAD compares: Middle Eastern, 0.016%; no homozygotes.

Submissions (3):

Labcorp Genetics (formerly Invitae), Labcorp
Classification: Uncertain significance. Last evaluated: 2024-11-11. Review status: criteria provided, single submitter. Criteria: Invitae Variant Classification Sherloc (09022015). Collection method: clinical testing. Allele origin: germline.
Comment: This sequence change replaces leucine, which is neutral and non-polar, with phenylalanine, which is neutral and non-polar, at codon 796 of the DENND5A protein (p.Leu796Phe). This variant is present in population databases (no rsID available, gnomAD 0.01%). This variant has not been reported in the literature in individuals affected with DENND5A-related conditions. ClinVar contains an entry for this variant (Variation ID: 2394817). Invitae Evidence Modeling of protein sequence and biophysical properties (such as structural, functional, and spatial information, amino acid conservation, physicochemical variation, residue mobility, and thermodynamic stability) has been performed for this missense variant. However, the output from this modeling did not meet the statistical confidence thresholds required to predict the impact of this variant on DENND5A protein function. In summary, the available evidence is currently insufficient to determine the role of this variant in disease. Therefore, it has been classified as a Variant of Uncertain Significance.

GeneDx
Classification: Uncertain significance. Last evaluated: 2022-11-18. Review status: criteria provided, single submitter. Criteria: GeneDx Variant Classification Process June 2021. Collection method: clinical testing. Allele origin: germline. Affected: yes.
Comment: Not observed at significant frequency in large population cohorts (gnomAD); In silico analysis supports that this missense variant has a deleterious effect on protein structure/function; Has not been previously published as pathogenic or benign to our knowledge

Ambry Genetics
Classification: Uncertain significance for Inborn genetic diseases. Last evaluated: 2021-04-01. Review status: criteria provided, single submitter. Criteria: Ambry Variant Classification Scheme 2023. Collection method: clinical testing. Allele origin: germline.

NM_015213.4(DENND5A):c.2386C>T (p.Leu796Phe)

Gene: DENND5A (DENN domain containing 5A; minus strand). Cytogenetic location: 11p15.4.
Variant type: single nucleotide variant.
Coding change: c.2386C>T on transcript NM_015213.4 (MANE Select); coding-DNA position 2386, C replaced by T.
Protein change: p.Leu796Phe; replaces leucine 796 with phenylalanine.
Molecular consequence: missense variant. On other transcripts: non-coding transcript variant (1).
Genome position (GRCh38, 1-based): chr11:9,160,763, G>A on the plus strand (C>T on the coding strand, the complement: DENND5A is on the minus strand). VCF-style: chr11-9160763-G-A. GRCh37 (hg19) VCF-style: chr11-9182310-G-A.
Other names: c.2386C>T, p.Leu796Phe (NM_001243254.2, NM_001348748.1); c.2314C>T, p.Leu772Phe (NM_001348749.2); c.2098C>T, p.Leu700Phe (NM_001348750.2); short protein forms L700F, L772F, L796F.
Identifiers: ClinVar variation 2394817 (VCV002394817.4), dbSNP rs1321613611, ClinGen allele CA379607974.
Genomic context (GRCh38, chr11:9,160,763, plus strand): 5'-CATACATTACCTGTTTCACTTGTAGTCCATGACTCCAGATCCTTTCCAGGAGATCACAAA[G>A]GCTGGCAATCAGGGTGTTCTCTTCCACCCCTGTGATGTTCACCTCCCCATGCCCTAGCTC-3'
Protein context (NP_056028.2, residues 786-806): GVEENTLIAS[Leu796Phe]CDLLERIWSH